The following is an entry in ClinVar:

ClinVar aggregate classification (germline): Uncertain significance (1 of 4 stars; one submission).

Submission:

Labcorp Genetics (formerly Invitae), Labcorp
Classification: Uncertain significance. Last evaluated: 2022-01-13. Review status: criteria provided, single submitter. Criteria: Invitae Variant Classification Sherloc (09022015). Collection method: clinical testing. Allele origin: germline.
Comment: This variant has not been reported in the literature in individuals affected with NBAS-related conditions. This variant is not present in population databases (gnomAD no frequency). This sequence change replaces aspartic acid, which is acidic and polar, with histidine, which is basic and polar, at codon 800 of the NBAS protein (p.Asp800His). In summary, the available evidence is currently insufficient to determine the role of this variant in disease. Therefore, it has been classified as a Variant of Uncertain Significance. Algorithms developed to predict the effect of missense changes on protein structure and function (SIFT, PolyPhen-2, Align-GVGD) all suggest that this variant is likely to be disruptive.

NM_015909.4(NBAS):c.2398G>C (p.Asp800His)

Gene: NBAS (NBAS subunit of NRZ tethering complex; minus strand). Cytogenetic location: 2p24.3.
Variant type: single nucleotide variant.
Coding change: c.2398G>C on transcript NM_015909.4 (MANE Select); coding-DNA position 2398, G replaced by C.
Protein change: p.Asp800His; replaces aspartic acid 800 with histidine.
Molecular consequence: missense variant. On other transcripts: non-coding transcript variant (1).
Genome position (GRCh38, 1-based): chr2:15,427,736, C>G on the plus strand (G>C on the coding strand, the complement: NBAS is on the minus strand). VCF-style: chr2-15427736-C-G. GRCh37 (hg19) VCF-style: chr2-15567860-C-G.
Other names: short protein forms D800H.
Identifiers: ClinVar variation 2082137 (VCV002082137.4), dbSNP rs2529078767, ClinGen allele CA345891449.